The following is an entry in ClinVar:

NM_004525.3(LRP2):c.2006G>A (p.Gly669Asp)

Gene: LRP2 (LDL receptor related protein 2; minus strand). Cytogenetic location: 2q31.1.
Variant type: single nucleotide variant.
Coding change: c.2006G>A on transcript NM_004525.3 (MANE Select); coding-DNA position 2006, G replaced by A.
Protein change: p.Gly669Asp; replaces glycine 669 with aspartic acid.
Molecular consequence: missense variant.
Genome position (GRCh38, 1-based): chr2:169,273,037, C>T on the plus strand (G>A on the coding strand, the complement: LRP2 is on the minus strand). VCF-style: chr2-169273037-C-T. GRCh37 (hg19) VCF-style: chr2-170129547-C-T.
Other names: short protein forms G669D.
Identifiers: ClinVar variation 129506 (VCV000129506.24), dbSNP rs34291900, ClinGen allele CA153560.

ClinVar aggregate classification (germline): Benign/Likely benign. Review status: criteria provided, multiple submitters, no conflicts (2 of 4 stars). 10 submissions from 10 submitters: Benign (6); Likely benign (3). 1 of the submissions does not count toward it. Last evaluated 2026-02-04.

Conditions:
Donnai-Barrow syndrome. Also called: DBS/FOAR SYNDROME; FACIOOCULOACOUSTICORENAL SYNDROME. Identifiers: Orphanet 2143, MedGen C1857277, MONDO:0009104, OMIM 222448.

Allele frequency attached by ClinVar (database versions not stated): 1000 Genomes Project 30x 0.01437; 1000 Genomes Project 0.01498; TOPMed 0.02171; gnomAD 0.02482 and 0.02496; ESP Exome Variant Server 0.02522; gnomAD exomes 0.02796; ExAC 0.02849.
gnomAD v4.1: 53,869 of 1,613,540 alleles (3.3%); highest among the groups gnomAD compares: Non-Finnish European, 3.7%; 1,040 homozygotes.

Submissions (10):

Labcorp Genetics (formerly Invitae), Labcorp
Classification: Benign. Last evaluated: 2026-02-04. Review status: criteria provided, single submitter. Criteria: Invitae Variant Classification Sherloc (09022015). Collection method: clinical testing. Allele origin: germline.

Mayo Clinic Laboratories, Mayo Clinic
Classification: Benign. Last evaluated: 2024-12-31. Review status: criteria provided, single submitter. Criteria: ACMG Guidelines, 2015. Collection method: clinical testing. Allele origin: germline. Observed: 7 variant alleles.
Comment: BA1, BS2

Women's Health and Genetics/Laboratory Corporation of America, LabCorp
Classification: Likely benign. Last evaluated: 2021-12-10. Review status: criteria provided, single submitter. Criteria: LabCorp Variant Classification Summary - May 2015. Collection method: clinical testing. Allele origin: germline.

Genome-Nilou Lab
Classification: Benign for Donnai-Barrow syndrome. Last evaluated: 2021-07-15. Review status: criteria provided, single submitter. Criteria: ACMG Guidelines, 2015. Collection method: clinical testing. Allele origin: germline. Affected: no.

GeneDx
Classification: Benign. Last evaluated: 2020-12-28. Review status: criteria provided, single submitter. Criteria: GeneDx Variant Classification Process June 2021. Collection method: clinical testing. Allele origin: germline. Affected: yes.
Comment: This variant is associated with the following publications: (PMID: 21303902)

Illumina Laboratory Services, Illumina
Classification: Benign for Donnai-Barrow syndrome. Last evaluated: 2018-03-06. Review status: criteria provided, single submitter. Criteria: ICSL Variant Classification Criteria 13 December 2019. Collection method: clinical testing. Allele origin: germline.
Comment: This variant was observed in the ICSL laboratory as part of a predisposition screen in an ostensibly healthy population. It had not been previously curated by ICSL or reported in the Human Gene Mutation Database (HGMD: prior to June 1st, 2018), and was therefore a candidate for classification through an automated scoring system. Utilizing variant allele frequency, disease prevalence and penetrance estimates, and inheritance mode, an automated score was calculated to assess if this variant is too frequent to cause the disease. Based on the score and internal cut-off values, a variant classified as benign is not then subjected to further curation. The score for this variant resulted in a classification of benign for this disease.

Genomic Diagnostic Laboratory, Division of Genomic Diagnostics, Children's Hospital of Philadelphia
Classification: Benign. Last evaluated: 2015-08-19. Review status: criteria provided, single submitter. Criteria: DGD Variant Analysis Guidelines. Collection method: clinical testing. Allele origin: unknown.

Breakthrough Genomics
Classification: Likely benign. Review status: criteria provided, single submitter. Criteria: ACMG Guidelines, 2015. Collection method: not provided. Allele origin: germline. Inheritance: Autosomal recessive inheritance. Affected: yes.

PreventionGenetics, part of Exact Sciences
Classification: Likely benign. Review status: criteria provided, single submitter. Criteria: ACMG Guidelines, 2015. Collection method: clinical testing. Allele origin: germline.

Genetic Services Laboratory, University of Chicago
Classification: Likely benign for AllHighlyPenetrant. Review status: no assertion criteria provided. Collection method: clinical testing. Allele origin: germline. Inheritance: Autosomal recessive inheritance. Not counted in ClinVar's aggregate classification.
Comment: Likely benign based on allele frequency in 1000 Genomes Project or ESP global frequency and its presence in a patient with a rare or unrelated disease phenotype. NOT Sanger confirmed.